The following is an entry in ClinVar:

ClinVar aggregate classification (germline): Uncertain significance. Review status: criteria provided, multiple submitters, no conflicts (2 of 4 stars). 2 submissions from 2 submitters: Uncertain significance (2). Last evaluated 2025-03-11.

gnomAD v4.1: 16 of 1,613,730 alleles (0.00099%); highest among the groups gnomAD compares: African/African-American, 0.016%; no homozygotes.

Submissions (2):

Labcorp Genetics (formerly Invitae), Labcorp
Classification: Uncertain significance. Last evaluated: 2025-03-11. Review status: criteria provided, single submitter. Criteria: Invitae Variant Classification Sherloc (09022015). Collection method: clinical testing. Allele origin: germline.
Comment: This sequence change replaces arginine, which is basic and polar, with histidine, which is basic and polar, at codon 6 of the RPL18 protein (p.Arg6His). This variant is present in population databases (rs753278830, gnomAD 0.02%). This variant has not been reported in the literature in individuals affected with RPL18-related conditions. An algorithm developed to predict the effect of missense changes on protein structure and function (PolyPhen-2) suggests that this variant is likely to be tolerated. In summary, the available evidence is currently insufficient to determine the role of this variant in disease. Therefore, it has been classified as a Variant of Uncertain Significance.

Ambry Genetics
Classification: Uncertain significance. Last evaluated: 2025-02-06. Review status: criteria provided, single submitter. Criteria: Ambry Variant Classification Scheme 2023. Collection method: clinical testing. Allele origin: germline.

NM_000979.4(RPL18):c.17G>A (p.Arg6His)

Gene: RPL18 (ribosomal protein L18; minus strand). Cytogenetic location: 19q13.33.
Variant type: single nucleotide variant.
Coding change: c.17G>A on transcript NM_000979.4 (MANE Select); coding-DNA position 17, G replaced by A.
Protein change: p.Arg6His; replaces arginine 6 with histidine.
Molecular consequence: missense variant. On other transcripts: non-coding transcript variant (1), intron variant (1).
Genome position (GRCh38, 1-based): chr19:48,617,864, C>T on the plus strand (G>A on the coding strand, the complement: RPL18 is on the minus strand). VCF-style: chr19-48617864-C-T. GRCh37 (hg19) VCF-style: chr19-49121121-C-T.
Other names: c.4-441G>A (NM_001270490.2); short protein forms R6H.
Identifiers: ClinVar variation 3790377 (VCV003790377.2).